The following is an entry in ClinVar:

NM_144670.6(A2ML1):c.1777del (p.Ala593fs)

Gene: A2ML1 (alpha-2-macroglobulin like 1; plus strand). Cytogenetic location: 12p13.31.
Variant type: Deletion.
Coding change: c.1777del on transcript NM_144670.6 (MANE Select); coding-DNA position 1777, one base deleted (G; older notation c.1777delG).
Protein change: p.Ala593fs; shifts the reading frame from alanine 593.
Molecular consequence: frameshift variant.
Genome position (GRCh38, 1-based): chr12:8,847,642, G deleted; the last of 3 consecutive G bases (chr12:8,847,640-8,847,642); deleting any one gives the same sequence. VCF-style (leftmost placement, unchanged base first): chr12-8847639-CG-C. GRCh37 (hg19) VCF-style: chr12-9000235-CG-C.
Other names: c.1777delG (NM_144670.5); c.304del, p.Ala102fs (NM_001282424.3); short protein forms A102fs, A593fs.
Identifiers: ClinVar variation 1022051 (VCV001022051.7), dbSNP rs758076462, ClinGen allele CA6435809.
Genomic context (GRCh38, chr12:8,847,639, plus strand): 5'-CTTCCAGGAGCAGAAGTGGAGCTGCAGCTGCAGGCAGCTCCCGGATCCCTGTGTGCGCTC[CG>C]GGCGGTGGATGAGAGTGTCTTACTGCTTAGGCCAGACAGAGAGCTGAGCAACCGCTCTGT-3'

ClinVar aggregate classification (germline): Uncertain significance. Review status: criteria provided, multiple submitters, no conflicts (2 of 4 stars). 2 submissions from 2 submitters: Uncertain significance (2). Last evaluated 2025-12-19.

Conditions:
A2ML1-related disorder. Also called: A2ML1-related condition.

Submissions (2):

Labcorp Genetics (formerly Invitae), Labcorp
Classification: Uncertain significance. Last evaluated: 2025-12-19. Review status: criteria provided, single submitter. Criteria: Invitae Variant Classification Sherloc (09022015). Collection method: clinical testing. Allele origin: germline.
Comment: This sequence change creates a premature translational stop signal (p.Ala593Argfs*15) in the A2ML1 gene. It is expected to result in an absent or disrupted protein product. However, the current clinical and genetic evidence is not sufficient to establish whether loss-of-function variants in A2ML1 cause disease. This variant is present in population databases (rs758076462, gnomAD 0.05%). This variant has not been reported in the literature in individuals affected with A2ML1-related conditions. ClinVar contains an entry for this variant (Variation ID: 1022051). In summary, the available evidence is currently insufficient to determine the role of this variant in disease. Therefore, it has been classified as a Variant of Uncertain Significance.

PreventionGenetics, part of Exact Sciences
Classification: Uncertain significance for A2ML1-related condition. Last evaluated: 2025-10-28. Review status: criteria provided, single submitter. Criteria: ACMG Guidelines, 2015. Collection method: clinical testing. Allele origin: germline.
Comment: The A2ML1 c.1777delG variant is predicted to result in a frameshift and premature protein termination (p.Ala593Argfs*15). To our knowledge, this variant has not been reported in the literature. This variant is reported in 0.056% of alleles in individuals of European (Finnish) descent in gnomAD. At this time, the clinical significance of this variant is uncertain due to the absence of conclusive functional and genetic evidence.